The following is an entry in ClinVar:

NM_000535.7(PMS2):c.1664A>T (p.Gln555Leu)

Gene: PMS2 (PMS1 homolog 2, mismatch repair system component; minus strand). Cytogenetic location: 7p22.1.
Variant type: single nucleotide variant.
Coding change: c.1664A>T on transcript NM_000535.7 (MANE Select); coding-DNA position 1664, A replaced by T.
Protein change: p.Gln555Leu; replaces glutamine 555 with leucine.
Molecular consequence: missense variant. On other transcripts: non-coding transcript variant (1).
Genome position (GRCh38, 1-based): chr7:5,987,101, T>A on the plus strand (A>T on the coding strand, the complement: PMS2 is on the minus strand). VCF-style: chr7-5987101-T-A. GRCh37 (hg19) VCF-style: chr7-6026732-T-A.
Other names: c.1259A>T, p.Gln420Leu (NM_001322003.2, NM_001322004.2, NM_001322005.2 and 1 more transcripts); c.1508A>T, p.Gln503Leu (NM_001322006.2); c.1346A>T, p.Gln449Leu (NM_001322007.2, NM_001322008.2); c.1103A>T, p.Gln368Leu (NM_001322010.2); c.731A>T, p.Gln244Leu (NM_001322011.2, NM_001322012.2); c.1091A>T, p.Gln364Leu (NM_001322013.2); c.1664A>T, p.Gln555Leu (NM_001322014.2); c.1355A>T, p.Gln452Leu (NM_001322015.2); short protein forms Q555L, Q244L, Q364L, Q452L, Q368L, Q503L, Q420L, Q449L.
Identifiers: ClinVar variation 577372 (VCV000577372.8), dbSNP rs745836140, ClinGen allele CA045009.

ClinVar aggregate classification (germline): Uncertain significance. Review status: criteria provided, multiple submitters, no conflicts (2 of 4 stars). 2 submissions from 2 submitters: Uncertain significance (2). Last evaluated 2026-07-02.

Conditions:
Hereditary nonpolyposis colorectal neoplasms. Identifiers: MedGen C0009405, MeSH D003123.
Hereditary cancer-predisposing syndrome. Also called: Neoplastic Syndromes, Hereditary; Hereditary Cancer Syndrome; Hereditary neoplastic syndrome; Tumor predisposition. Identifiers: Orphanet 140162, MedGen C0027672, MeSH D009386, MONDO:0015356.

Allele frequency attached by ClinVar (database versions not stated): gnomAD exomes 0.00001; ExAC 0.00002.
gnomAD v4.1: 6 of 1,614,162 alleles (0.00037%); highest among the groups gnomAD compares: South Asian, 0.0066%; no homozygotes.

Submissions (2):

Ambry Genetics
Classification: Uncertain significance for Hereditary cancer-predisposing syndrome. Last evaluated: 2026-07-02. Review status: criteria provided, single submitter. Criteria: Ambry Variant Classification Scheme 2023. Collection method: clinical testing. Allele origin: germline.
Comment: The p.Q555L variant (also known as c.1664A>T), located in coding exon 11 of the PMS2 gene, results from an A to T substitution at nucleotide position 1664. The glutamine at codon 555 is replaced by leucine, an amino acid with dissimilar properties. This amino acid position is conserved. In addition, this alteration is predicted to be tolerated by in silico analysis. Based on the available evidence, the clinical significance of this variant remains unclear.

Labcorp Genetics (formerly Invitae), Labcorp
Classification: Uncertain significance for Hereditary nonpolyposis colorectal neoplasms. Last evaluated: 2025-05-06. Review status: criteria provided, single submitter. Criteria: Invitae Variant Classification Sherloc (09022015). Collection method: clinical testing. Allele origin: germline.
Comment: This sequence change replaces glutamine, which is neutral and polar, with leucine, which is neutral and non-polar, at codon 555 of the PMS2 protein (p.Gln555Leu). This variant is present in population databases (rs745836140, gnomAD 0.01%). This variant has not been reported in the literature in individuals affected with PMS2-related conditions. ClinVar contains an entry for this variant (Variation ID: 577372). Invitae Evidence Modeling incorporating data from in vitro experimental studies (internal data) indicates that this missense variant is not expected to disrupt PMS2 function with a negative predictive value of 95%. In summary, the available evidence is currently insufficient to determine the role of this variant in disease. Therefore, it has been classified as a Variant of Uncertain Significance.